The following is an entry in ClinVar:

ClinVar aggregate classification (germline): Uncertain significance (1 of 4 stars; one submission).

gnomAD v4.1: 1 of 1,613,556 alleles (0.000062%); highest among the groups gnomAD compares: Non-Finnish European, 0.000085%; no homozygotes.

Submission:

Labcorp Genetics (formerly Invitae), Labcorp
Classification: Uncertain significance. Last evaluated: 2025-01-13. Review status: criteria provided, single submitter. Criteria: Invitae Variant Classification Sherloc (09022015). Collection method: clinical testing. Allele origin: germline.
Comment: This sequence change replaces valine, which is neutral and non-polar, with isoleucine, which is neutral and non-polar, at codon 416 of the SAMD9 protein (p.Val416Ile). This variant is not present in population databases (gnomAD no frequency). This variant has not been reported in the literature in individuals affected with SAMD9-related conditions. Invitae Evidence Modeling of protein sequence and biophysical properties (such as structural, functional, and spatial information, amino acid conservation, physicochemical variation, residue mobility, and thermodynamic stability) has been performed for this missense variant. However, the output from this modeling did not meet the statistical confidence thresholds required to predict the impact of this variant on SAMD9 protein function. In summary, the available evidence is currently insufficient to determine the role of this variant in disease. Therefore, it has been classified as a Variant of Uncertain Significance.

NM_017654.4(SAMD9):c.1246G>A (p.Val416Ile)

Gene: SAMD9 (sterile alpha motif domain containing 9; minus strand). Cytogenetic location: 7q21.2.
Variant type: single nucleotide variant.
Coding change: c.1246G>A on transcript NM_017654.4 (MANE Select); coding-DNA position 1246, G replaced by A.
Protein change: p.Val416Ile; replaces valine 416 with isoleucine.
Molecular consequence: missense variant.
Genome position (GRCh38, 1-based): chr7:93,104,852, C>T on the plus strand (G>A on the coding strand, the complement: SAMD9 is on the minus strand). VCF-style: chr7-93104852-C-T. GRCh37 (hg19) VCF-style: chr7-92734165-C-T.
Other names: c.1246G>A, p.Val416Ile (NM_001193307.2); short protein forms V416I.
Identifiers: ClinVar variation 3636748 (VCV003636748.2).